The following is an entry in ClinVar:

NM_001365951.3(KIF1B):c.1076T>G (p.Val359Gly)

Gene: KIF1B (kinesin family member 1B; plus strand). Cytogenetic location: 1p36.22.
Variant type: single nucleotide variant.
Coding change: c.1076T>G on transcript NM_001365951.3 (MANE Select); coding-DNA position 1076, T replaced by G.
Protein change: p.Val359Gly; replaces valine 359 with glycine.
Molecular consequence: missense variant.
Genome position (GRCh38, 1-based): chr1:10,278,024, T>G. VCF-style: chr1-10278024-T-G. GRCh37 (hg19) VCF-style: chr1-10338082-T-G.
Other names: c.1076T>G, p.Val359Gly (NM_001365952.1); c.1058T>G, p.Val353Gly (NM_001365953.1, NM_015074.3, NM_183416.4); short protein forms V353G, V359G.
Identifiers: ClinVar variation 3864094 (VCV003864094.1).

ClinVar aggregate classification (germline): Uncertain significance (1 of 4 stars; one submission).

Submission:

Ambry Genetics
Classification: Uncertain significance. Last evaluated: 2025-02-08. Review status: criteria provided, single submitter. Criteria: Ambry Variant Classification Scheme 2023. Collection method: clinical testing. Allele origin: germline.
Comment: The p.V353G variant (also known as c.1058T>G), located in coding exon 11 of the KIF1B gene, results from a T to G substitution at nucleotide position 1058. The valine at codon 353 is replaced by glycine, an amino acid with dissimilar properties. This amino acid position is conserved. In addition, this alteration is predicted to be deleterious by in silico analysis. Based on the available evidence, the clinical significance of this variant remains unclear.